The following is an entry in ClinVar:

ClinVar aggregate classification (germline): Likely benign. Review status: criteria provided, single submitter (1 of 4 stars). 2 submissions from 2 submitters: Likely benign (1). 1 of the submissions does not count toward it. Last evaluated 2022-09-27.

Conditions:
AFF2-related disorder. Also called: AFF2-related condition.

Allele frequency attached by ClinVar (database versions not stated): ExAC 0.00001; gnomAD 0.00002; gnomAD exomes 0.00002; TOPMed 0.00002; ESP Exome Variant Server 0.00009.
gnomAD v4.1: 26 of 1,208,350 alleles (0.0022%); highest among the groups gnomAD compares: Non-Finnish European, 0.0028%; no homozygotes.

Submissions (2):

Blueprint Genetics
Classification: Likely benign. Last evaluated: 2022-09-27. Review status: criteria provided, single submitter. Criteria: ACMG Guidelines, 2015. Collection method: clinical testing. Allele origin: germline.

PreventionGenetics, part of Exact Sciences
Classification: Likely benign for AFF2-related condition. Last evaluated: 2019-06-07. Review status: no assertion criteria provided. Collection method: clinical testing. Allele origin: germline. Not counted in ClinVar's aggregate classification.
Comment: This variant is classified as likely benign based on ACMG/AMP sequence variant interpretation guidelines (Richards et al. 2015 PMID: 25741868, with internal and published modifications).

NM_002025.4(AFF2):c.1287G>T (p.Leu429=)

Gene: AFF2 (ALF transcription elongation factor 2; plus strand). Cytogenetic location: Xq28.
Variant type: single nucleotide variant.
Coding change: c.1287G>T on transcript NM_002025.4 (MANE Select); coding-DNA position 1287, G replaced by T.
Protein change: p.Leu429=; no amino-acid change (leucine 429 retained).
Molecular consequence: synonymous variant.
Genome position (GRCh38, 1-based): chrX:148,885,913, G>T. VCF-style: chrX-148885913-G-T. GRCh37 (hg19) VCF-style: chrX-147967443-G-T.
Other names: c.1188G>T, p.Leu396= (NM_001169122.2); c.1257G>T, p.Leu419= (NM_001169123.2); c.1182G>T, p.Leu394= (NM_001169124.2); c.1170G>T, p.Leu390= (NM_001169125.2); c.210G>T, p.Leu70= (NM_001170628.1).
Identifiers: ClinVar variation 3033268 (VCV003033268.3), dbSNP rs370821602, ClinGen allele CA10536971.